The following is an entry in ClinVar:

ClinVar aggregate classification (germline): Benign/Likely benign. Review status: criteria provided, multiple submitters, no conflicts (2 of 4 stars). 2 submissions from 2 submitters: Benign (1); Likely benign (1). Last evaluated 2026-02-01.

Allele frequency attached by ClinVar (database versions not stated): TOPMed 0.00005; gnomAD 0.00022; gnomAD exomes 0.00043; 1000 Genomes Project 30x 0.00125; 1000 Genomes Project 0.00140; ExAC 0.00271.
gnomAD v4.1: 616 of 1,552,058 alleles (0.04%); highest among the groups gnomAD compares: South Asian, 0.71%; 9 homozygotes.

Submissions (2):

CeGaT Center for Human Genetics Tuebingen
Classification: Likely benign. Last evaluated: 2026-02-01. Review status: criteria provided, single submitter. Criteria: CeGaT Center For Human Genetics Tuebingen Variant Classification Criteria Version 2. Collection method: clinical testing. Allele origin: germline. Affected: yes. Observed: 3 variant alleles.
Comment: SCYL1: BP4, BP7

Labcorp Genetics (formerly Invitae), Labcorp
Classification: Benign. Last evaluated: 2024-02-04. Review status: criteria provided, single submitter. Criteria: Invitae Variant Classification Sherloc (09022015). Collection method: clinical testing. Allele origin: germline.

NM_020680.4(SCYL1):c.2271G>A (p.Glu757=)

Gene: SCYL1 (SCY1 like pseudokinase 1; plus strand). Cytogenetic location: 11q13.1.
Variant type: single nucleotide variant.
Coding change: c.2271G>A on transcript NM_020680.4 (MANE Select); coding-DNA position 2271, G replaced by A.
Protein change: p.Glu757=; no amino-acid change (glutamic acid 757 retained).
Molecular consequence: synonymous variant. On other transcripts: intron variant (1).
Genome position (GRCh38, 1-based): chr11:65,538,293, G>A. VCF-style: chr11-65538293-G-A. GRCh37 (hg19) VCF-style: chr11-65305764-G-A.
Other names: c.2220G>A, p.Glu740= (NM_001048218.2); c.2244+111G>A (NM_001411022.1).
Identifiers: ClinVar variation 2716711 (VCV002716711.25), dbSNP rs571242022, ClinGen allele CA6100101.